The following is an entry in ClinVar:

NM_003954.5(MAP3K14):c.1048G>C (p.Ala350Pro)

Gene: MAP3K14 (mitogen-activated protein kinase kinase kinase 14; minus strand). Cytogenetic location: 17q21.31.
Variant type: single nucleotide variant.
Coding change: c.1048G>C on transcript NM_003954.5 (MANE Select); coding-DNA position 1048, G replaced by C.
Protein change: p.Ala350Pro; replaces alanine 350 with proline.
Molecular consequence: missense variant.
Genome position (GRCh38, 1-based): chr17:45,286,535, C>G on the plus strand (G>C on the coding strand, the complement: MAP3K14 is on the minus strand). VCF-style: chr17-45286535-C-G. GRCh37 (hg19) VCF-style: chr17-43363902-C-G.
Other names: short protein forms A350P.
Identifiers: ClinVar variation 2120544 (VCV002120544.4), dbSNP rs2509019169, ClinGen allele CA399887601.
Genomic context (GRCh38, chr17:45,286,535, plus strand): 5'-GCTCCCGGGATCTGGAGCCCCTTGCTGCCCAGGTCTTGGCCAGGCTGGTCAGGCTGTGGG[C>G]CTGGCCTGAGCTCACGCTGCCTTGCAGAGCATGCACTAGGTATTCCTCCACAGAAAACTT-3'
Protein context (NP_003945.2, residues 340-360): ALQGSVSSGQ[Ala350Pro]HSLTSLAKTW

ClinVar aggregate classification (germline): Uncertain significance (1 of 4 stars; one submission).

Conditions:
NIK deficiency. Also called: Primary immunodeficiency with multifaceted aberrant lymphoid immunity. Identifiers: Orphanet 447731, MedGen C5680065, MONDO:0018642.

Submission:

Labcorp Genetics (formerly Invitae), Labcorp
Classification: Uncertain significance for NIK deficiency. Last evaluated: 2022-04-01. Review status: criteria provided, single submitter. Criteria: Invitae Variant Classification Sherloc (09022015). Collection method: clinical testing. Allele origin: germline.
Comment: In summary, the available evidence is currently insufficient to determine the role of this variant in disease. Therefore, it has been classified as a Variant of Uncertain Significance. Experimental studies and prediction algorithms are not available or were not evaluated, and the functional significance of this variant is currently unknown. This variant has not been reported in the literature in individuals affected with MAP3K14-related conditions. This variant is not present in population databases (gnomAD no frequency). This sequence change replaces alanine, which is neutral and non-polar, with proline, which is neutral and non-polar, at codon 350 of the MAP3K14 protein (p.Ala350Pro).